The following is an entry in ClinVar:

NM_001371928.1(AHDC1):c.3529G>T (p.Val1177Phe)

Gene: AHDC1 (AT-hook DNA binding motif containing 1; minus strand). Cytogenetic location: 1p36.11.
Variant type: single nucleotide variant.
Coding change: c.3529G>T on transcript NM_001371928.1 (MANE Select); coding-DNA position 3529, G replaced by T.
Protein change: p.Val1177Phe; replaces valine 1177 with phenylalanine.
Molecular consequence: missense variant.
Genome position (GRCh38, 1-based): chr1:27,548,587, C>A on the plus strand (G>T on the coding strand, the complement: AHDC1 is on the minus strand). VCF-style: chr1-27548587-C-A. GRCh37 (hg19) VCF-style: chr1-27875098-C-A.
Other names: c.3529G>T, p.Val1177Phe (NM_001029882.3); short protein forms V1177F.
Identifiers: ClinVar variation 3726925 (VCV003726925.2).

ClinVar aggregate classification (germline): Uncertain significance (1 of 4 stars; one submission).

Submission:

Labcorp Genetics (formerly Invitae), Labcorp
Classification: Uncertain significance. Last evaluated: 2024-12-15. Review status: criteria provided, single submitter. Criteria: Invitae Variant Classification Sherloc (09022015). Collection method: clinical testing. Allele origin: germline.
Comment: This sequence change replaces valine, which is neutral and non-polar, with phenylalanine, which is neutral and non-polar, at codon 1177 of the AHDC1 protein (p.Val1177Phe). This variant is not present in population databases (gnomAD no frequency). This variant has not been reported in the literature in individuals affected with AHDC1-related conditions. An algorithm developed to predict the effect of missense changes on protein structure and function (PolyPhen-2) suggests that this variant is likely to be disruptive. In summary, the available evidence is currently insufficient to determine the role of this variant in disease. Therefore, it has been classified as a Variant of Uncertain Significance.